The following is an entry in ClinVar:

ClinVar aggregate classification (germline): Pathogenic (1 of 4 stars; one submission).

Conditions:
Breast-ovarian cancer, familial, susceptibility to, 1 (BROVCA1). Also called: BRCA1 Hereditary Breast and Ovarian Cancer; OVARIAN CANCER, SUSCEPTIBILITY TO. Identifiers: Orphanet 145, MedGen C2676676, MONDO:0011450, OMIM 604370. Disease mechanism: loss of function.

Submission:

KCCC/NGS Laboratory, Kuwait Cancer Control Center
Classification: Pathogenic for Breast-ovarian cancer, familial, susceptibility to, 1. Last evaluated: 2024-04-03. Review status: criteria provided, single submitter. Criteria: ACMG Guidelines, 2015. Collection method: clinical testing. Allele origin: germline. Inheritance: Autosomal dominant inheritance. Affected: yes. Observed: 1 heterozygote.
Comment: This sequence change creates a premature translational stop signal (p.Leu1553Cysfs*6) in the BRCA1 gene. It is expected to result in an absent or disrupted protein product. Loss-of-function variants in BRCA1 are known to be pathogenic (PMID: 20104584). This variant is not present in population databases (gnomAD no frequency). This variant has not been reported in the literature in individuals affected with BRCA1-related conditions. ClinVar contains an entry for this variant (Variation ID: 839374). Therefore, this variant has been classified as Pathogenic.

NM_007294.4(BRCA1):c.4596del (p.Asp1533fs)

Gene: BRCA1 (BRCA1 DNA repair associated; minus strand). Cytogenetic location: 17q21.31.
Variant type: Deletion.
Coding change: c.4596del on transcript NM_007294.4 (MANE Select); coding-DNA position 4596, one base deleted (T; older notation c.4596delT).
Protein change: p.Asp1533fs; shifts the reading frame from aspartic acid 1533.
Molecular consequence: frameshift variant. On other transcripts: intron variant (3).
Genome position (GRCh38, 1-based): chr17:43,074,410, A deleted on the plus strand (T on the coding strand, the reverse complement: BRCA1 is on the minus strand); the first of 2 consecutive A bases (chr17:43,074,410-43,074,411); deleting either gives the same sequence. VCF-style (leftmost placement, unchanged base first): chr17-43074409-CA-C. GRCh37 (hg19) VCF-style: chr17-41226426-CA-C.
Other names: c.4593del, p.Asp1532fs (NM_001407618.1, NM_001407619.1, NM_001407620.1 and 17 more transcripts); c.4590del, p.Asp1531fs (NM_001407627.1, NM_001407628.1, NM_001407629.1 and 14 more transcripts); c.4260del, p.Asp1421fs (NM_001407951.1, NM_001407952.1, NM_001407953.1 and 3 more transcripts); c.4257del, p.Asp1420fs (NM_001407956.1, NM_001407957.1, NM_001407958.1); c.4215del, p.Asp1406fs (NM_001407959.1); c.4212del, p.Asp1405fs (NM_001407960.1, NM_001407962.1); c.4209del, p.Asp1404fs (NM_001407963.1); c.4089del, p.Asp1364fs (NM_001407965.1); and 72 more; short protein forms D1236fs, D1237fs, D1364fs, D1404fs, D1405fs, D1406fs, D1420fs, D1421fs.
Identifiers: ClinVar variation 3066084 (VCV003066084.2), dbSNP rs2551473219, ClinGen allele CA2740097808.